The following is an entry in ClinVar:

NM_000543.5(SMPD1):c.211G>A (p.Ala71Thr)

Gene: SMPD1 (sphingomyelin phosphodiesterase 1; plus strand). Cytogenetic location: 11p15.4.
Variant type: single nucleotide variant.
Coding change: c.211G>A on transcript NM_000543.5 (MANE Select); coding-DNA position 211, G replaced by A.
Protein change: p.Ala71Thr; replaces alanine 71 with threonine.
Molecular consequence: missense variant. On other transcripts: 5 prime UTR variant (1), non-coding transcript variant (2).
Genome position (GRCh38, 1-based): chr11:6,390,809, G>A. VCF-style: chr11-6390809-G-A. GRCh37 (hg19) VCF-style: chr11-6412039-G-A.
Other names: c.211G>A, p.Ala71Thr (NM_001007593.3, NM_001318087.2, NM_001365135.2); c.-751G>A (NM_001318088.2); short protein forms A71T.
Identifiers: ClinVar variation 529232 (VCV000529232.6), dbSNP rs375224040, ClinGen allele CA5852521.
Genomic context (GRCh38, chr11:6,390,809, plus strand): 5'-GACTCTCGGGTTCTCTGGGCTCCGGCAGAGGCTCACCCTCTTTCTCCCCAAGGCCATCCT[G>A]CCAGGTTACATCGCATAGTGCCCCGGCTCCGAGATGTCTTTGGGTGGGGGAACCTCACCT-3'
Protein context (NP_000534.3, residues 61-81): AHPLSPQGHP[Ala71Thr]RLHRIVPRLR

ClinVar aggregate classification (germline): Uncertain significance. Review status: criteria provided, multiple submitters, no conflicts (2 of 4 stars). 4 submissions from 4 submitters: Uncertain significance (3). 1 of the submissions does not count toward it. Last evaluated 2021-08-26.

Conditions:
Sphingomyelin/cholesterol lipidosis. Also called: Niemann-Pick disease. Identifiers: MedGen C0028064, MONDO:0001982.
Niemann-Pick disease, type B. Also called: Chronic Visceral ASMD (Niemann-Pick Disease Type B; NPD-B). Identifiers: Orphanet 77293, MedGen C0268243, MONDO:0011871, OMIM 607616. Disease mechanism: loss of function.
Niemann-Pick disease, type A. Also called: SPHINGOMYELIN LIPIDOSIS; SPHINGOMYELINASE DEFICIENCY; Infantile Neurovisceral ASMD (Niemann-Pick Disease Type A; NPD-A). Identifiers: Orphanet 77292, MedGen C0268242, MONDO:0009756, OMIM 257200. Disease mechanism: loss of function.

Allele frequency attached by ClinVar (database versions not stated): gnomAD 0.00001; TOPMed 0.00002; gnomAD exomes 0.00004; ExAC 0.00006; ESP Exome Variant Server 0.00008; 1000 Genomes Project 30x 0.00016.

Submissions (4):

Labcorp Genetics (formerly Invitae), Labcorp
Classification: Uncertain significance for Niemann-Pick disease, type B; Niemann-Pick disease, type A. Last evaluated: 2021-08-26. Review status: criteria provided, single submitter. Criteria: Invitae Variant Classification Sherloc (09022015). Collection method: clinical testing. Allele origin: germline.
Comment: This sequence change replaces alanine with threonine at codon 71 of the SMPD1 protein (p.Ala71Thr). The alanine residue is weakly conserved and there is a small physicochemical difference between alanine and threonine. This variant is present in population databases (rs375224040, ExAC 0.01%). This variant has not been reported in the literature in individuals affected with SMPD1-related conditions. Algorithms developed to predict the effect of missense changes on protein structure and function (SIFT, PolyPhen-2, Align-GVGD) all suggest that this variant is likely to be tolerated. In summary, the available evidence is currently insufficient to determine the role of this variant in disease. Therefore, it has been classified as a Variant of Uncertain Significance.

Fulgent Genetics
Classification: Uncertain significance for Niemann-Pick disease, type A; Niemann-Pick disease, type B. Last evaluated: 2018-10-31. Review status: criteria provided, single submitter. Criteria: ACMG Guidelines, 2015. Collection method: clinical testing. Allele origin: unknown.

Breakthrough Genomics
Classification: Uncertain significance. Review status: criteria provided, single submitter. Criteria: ACMG Guidelines, 2015. Collection method: not provided. Allele origin: germline. Inheritance: Autosomal recessive inheritance. Affected: yes.

Natera, Inc.
Classification: Uncertain significance for Acid sphingomyelinase deficiency. Last evaluated: 2020-09-16. Review status: no assertion criteria provided. Collection method: clinical testing. Allele origin: germline. Not counted in ClinVar's aggregate classification.